The following is an entry in ClinVar:

NM_030962.4(SBF2):c.5037+1G>C

Genes: SBF2 (SET binding factor 2; minus strand), SBF2-AS1 (SBF2 antisense RNA 1; plus strand), LOC105369149 (uncharacterized LOC105369149; plus strand). Cytogenetic location: 11p15.4.
Variant type: single nucleotide variant.
Coding change: c.5037+1G>C on transcript NM_030962.4 (MANE Select); the canonical splice donor site of the intron after coding-DNA position 5037, G replaced by C.
Molecular consequence: splice donor variant.
Genome position (GRCh38, 1-based): chr11:9,787,633, C>G on the plus strand (G>C on the coding strand, the complement: SBF2 is on the minus strand). VCF-style: chr11-9787633-C-G. GRCh37 (hg19) VCF-style: chr11-9809180-C-G.
Other names: c.4908+1G>C (NM_001386342.1); c.5133+1G>C (NM_001386339.1).
Identifiers: ClinVar variation 834749 (VCV000834749.13), dbSNP rs1060499999, ClinGen allele CA379632418.

ClinVar aggregate classification (germline): Pathogenic (1 of 4 stars; one submission).

Conditions:
Charcot-Marie-Tooth disease type 4. Also called: Charcot-Marie-Tooth disease, type IV; Charcot-Marie-Tooth, Type 4. Identifiers: Orphanet 64749, MedGen C4082197, MONDO:0018995.

Submission:

Labcorp Genetics (formerly Invitae), Labcorp
Classification: Pathogenic for Charcot-Marie-Tooth disease type 4. Last evaluated: 2022-10-28. Review status: criteria provided, single submitter. Criteria: Invitae Variant Classification Sherloc (09022015). Collection method: clinical testing. Allele origin: germline.
Comment: For these reasons, this variant has been classified as Pathogenic. Algorithms developed to predict the effect of sequence changes on RNA splicing suggest that this variant may disrupt the consensus splice site. ClinVar contains an entry for this variant (Variation ID: 834749). Disruption of this splice site has been observed in individual(s) with Charcot-Marie-Tooth disease (PMID: 31070812). In at least one individual the data is consistent with being in trans (on the opposite chromosome) from a pathogenic variant. This variant is not present in population databases (gnomAD no frequency). This sequence change affects a donor splice site in intron 36 of the SBF2 gene. It is expected to disrupt RNA splicing. Variants that disrupt the donor or acceptor splice site typically lead to a loss of protein function (PMID: 16199547), and loss-of-function variants in SBF2 are known to be pathogenic (PMID: 12687498, 25873783).

Literature cited by the submitters: PubMed 31070812; PubMed 16199547; PubMed 12687498; PubMed 25873783.